The following is an entry in ClinVar:

NM_080425.4(GNAS):c.2045G>A (p.Cys682Tyr)

Gene: GNAS (GNAS complex locus; plus strand). Cytogenetic location: 20q13.32.
Variant type: single nucleotide variant.
Coding change: c.2045G>A on transcript NM_080425.4 (MANE Plus Clinical); coding-DNA position 2045, G replaced by A.
Protein change: p.Cys682Tyr; replaces cysteine 682 with tyrosine.
Molecular consequence: missense variant. On other transcripts: intron variant (3).
Genome position (GRCh38, 1-based): chr20:58,855,310, G>A. VCF-style: chr20-58855310-G-A. GRCh37 (hg19) VCF-style: chr20-57430365-G-A.
Other names: c.1858G>A, p.Val620Ile (NM_001077490.3, NM_001309883.1); c.2045G>A, p.Cys682Tyr (NM_001410913.1); c.*42+14424G>A (NM_016592.5); c.43+14424G>A (NM_001410912.1); c.-39+13435G>A (NM_001309861.2); short protein forms C682Y, V620I.
Identifiers: ClinVar variation 4537582 (VCV004537582.1).

ClinVar aggregate classification (germline): Uncertain significance (1 of 4 stars; one submission).

Submission:

GeneDx
Classification: Uncertain significance. Last evaluated: 2025-06-09. Review status: criteria provided, single submitter. Criteria: GeneDx Variant Classification Process June 2021. Collection method: clinical testing. Allele origin: germline. Affected: yes.
Comment: Not observed at significant frequency in large population cohorts (gnomAD); In silico analysis supports that this missense variant has a deleterious effect on protein structure/function; Has not been previously published as pathogenic or benign to our knowledge; Reported using an alternate transcript of the gene